The following is an entry in ClinVar:

NM_001134407.3(GRIN2A):c.2626A>G (p.Ile876Val)

Gene: GRIN2A (glutamate ionotropic receptor NMDA type subunit 2A; minus strand). Cytogenetic location: 16p13.2.
Variant type: single nucleotide variant.
Coding change: c.2626A>G on transcript NM_001134407.3 (MANE Select); coding-DNA position 2626, A replaced by G.
Protein change: p.Ile876Val; replaces isoleucine 876 with valine.
Molecular consequence: missense variant.
Genome position (GRCh38, 1-based): chr16:9,764,918, T>C on the plus strand (A>G on the coding strand, the complement: GRIN2A is on the minus strand). VCF-style: chr16-9764918-T-C. GRCh37 (hg19) VCF-style: chr16-9858775-T-C.
Other names: c.2626A>G, p.Ile876Val (NM_000833.5, NM_001134408.2); short protein forms I876V.
Identifiers: ClinVar variation 1464813 (VCV001464813.8), dbSNP rs1399604502, ClinGen allele CA394709710.
Genomic context (GRCh38, chr16:9,764,918, plus strand): 5'-TTAACATGTTGCTCTGGGATCCCGTCAGATTGAAGTCTGGAGACTTCTTCTTTTCTTCAA[T>C]GTGCACTCCATGAATGCAGCTGTAGATGCCCTGTAGGGGAGCAACATAAAGCACTGTCAG-3'
Protein context (NP_001127879.1, residues 866-886): GIYSCIHGVH[Ile876Val]EEKKKSPDFN

ClinVar aggregate classification (germline): Conflicting classifications of pathogenicity. Review status: criteria provided, conflicting classifications (1 of 4 stars). 2 submissions from 2 submitters: Uncertain significance (1); Likely benign (1). Last evaluated 2022-10-14.

Conditions:
Landau-Kleffner syndrome (FESD). Also called: EPILEPSY, FOCAL, WITH SPEECH DISORDER AND WITH OR WITHOUT MENTAL RETARDATION; APHASIA, ACQUIRED, WITH EPILEPSY. Identifiers: Orphanet 1945, Orphanet 725, Orphanet 98818, MedGen C0282512, MONDO:0009509, OMIM 245570.

Allele frequency attached by ClinVar (database versions not stated): gnomAD 0.00001.
gnomAD v4.1: 1 of 1,613,978 alleles (0.000062%); highest among the groups gnomAD compares: African/African-American, 0.0013%; no homozygotes.

Submissions (2):

GeneDx
Classification: Uncertain significance. Last evaluated: 2022-10-14. Review status: criteria provided, single submitter. Criteria: GeneDx Variant Classification Process June 2021. Collection method: clinical testing. Allele origin: germline. Affected: yes.
Comment: In silico analysis supports that this missense variant does not alter protein structure/function; Has not been previously published as pathogenic or benign to our knowledge

Labcorp Genetics (formerly Invitae), Labcorp
Classification: Likely benign for Landau-Kleffner syndrome. Last evaluated: 2022-07-19. Review status: criteria provided, single submitter. Criteria: Invitae Variant Classification Sherloc (09022015). Collection method: clinical testing. Allele origin: germline.